The following is an entry in ClinVar:

NM_000268.4(NF2):c.1107G>A (p.Met369Ile)

Gene: NF2 (NF2, moesin-ezrin-radixin like (MERLIN) tumor suppressor; plus strand). Cytogenetic location: 22q12.2.
Variant type: single nucleotide variant.
Coding change: c.1107G>A on transcript NM_000268.4 (MANE Select); coding-DNA position 1107, G replaced by A.
Protein change: p.Met369Ile; replaces methionine 369 with isoleucine.
Molecular consequence: missense variant. On other transcripts: intron variant (1).
Genome position (GRCh38, 1-based): chr22:29,671,933, G>A. VCF-style: chr22-29671933-G-A. GRCh37 (hg19) VCF-style: chr22-30067922-G-A.
Other names: c.993G>A, p.Met331Ile (NM_001407053.1, NM_001407056.1); c.984G>A, p.Met328Ile (NM_001407054.1, NM_001407058.1, NM_181829.3); c.981G>A, p.Met327Ile (NM_001407055.1, NM_181828.3); c.972G>A, p.Met324Ile (NM_001407057.1, NM_001407059.1); c.1107G>A, p.Met369Ile (NM_001407060.1, NM_001407066.1, NM_016418.5 and 2 more transcripts); c.849G>A, p.Met283Ile (NM_001407062.1); c.858G>A, p.Met286Ile (NM_001407063.1, NM_001407064.1, NM_181830.3 and 1 more transcripts); c.573G>A, p.Met191Ile (NM_001407065.1); and 2 more; short protein forms M191I, M283I, M292I, M327I, M328I, M324I, M286I, M331I.
Identifiers: ClinVar variation 2453823 (VCV002453823.5), dbSNP rs2147073892, ClinGen allele CA411147169.

ClinVar aggregate classification (germline): Uncertain significance. Review status: criteria provided, multiple submitters, no conflicts (2 of 4 stars). 2 submissions from 2 submitters: Uncertain significance (2). Last evaluated 2023-08-22.

Conditions:
Neurofibromatosis, type 2 (SWNV). Also called: BILATERAL ACOUSTIC NEUROFIBROMATOSIS; SCHWANNOMATOSIS, VESTIBULAR; NF2-Related Schwannomatosis. Identifiers: Orphanet 637, MedGen C0027832, MONDO:0007039, OMIM 101000. Disease mechanism: loss of function.
Hereditary cancer-predisposing syndrome. Also called: Hereditary neoplastic syndrome; Hereditary Cancer Syndrome; Tumor predisposition; Neoplastic Syndromes, Hereditary. Identifiers: Orphanet 140162, MedGen C0027672, MeSH D009386, MONDO:0015356.

Submissions (2):

Labcorp Genetics (formerly Invitae), Labcorp
Classification: Uncertain significance for Neurofibromatosis, type 2. Last evaluated: 2023-08-22. Review status: criteria provided, single submitter. Criteria: Invitae Variant Classification Sherloc (09022015). Collection method: clinical testing. Allele origin: germline.
Comment: This sequence change replaces methionine, which is neutral and non-polar, with isoleucine, which is neutral and non-polar, at codon 369 of the NF2 protein (p.Met369Ile). This variant is not present in population databases (gnomAD no frequency). In summary, the available evidence is currently insufficient to determine the role of this variant in disease. Therefore, it has been classified as a Variant of Uncertain Significance. Advanced modeling of protein sequence and biophysical properties (such as structural, functional, and spatial information, amino acid conservation, physicochemical variation, residue mobility, and thermodynamic stability) performed at Invitae indicates that this missense variant is not expected to disrupt NF2 protein function. ClinVar contains an entry for this variant (Variation ID: 2453823). This variant has not been reported in the literature in individuals affected with NF2-related conditions.

Ambry Genetics
Classification: Uncertain significance for Hereditary cancer-predisposing syndrome. Last evaluated: 2022-12-04. Review status: criteria provided, single submitter. Criteria: Ambry Variant Classification Scheme 2023. Collection method: clinical testing. Allele origin: germline.
Comment: The p.M369I variant (also known as c.1107G>A), located in coding exon 11 of the NF2 gene, results from a G to A substitution at nucleotide position 1107. The methionine at codon 369 is replaced by isoleucine, an amino acid with highly similar properties. This amino acid position is conserved. In addition, the in silico prediction for this alteration is inconclusive. Since supporting evidence is limited at this time, the clinical significance of this alteration remains unclear.